The following is an entry in ClinVar:

ClinVar aggregate classification (germline): Likely benign (1 of 4 stars; one submission).

gnomAD v4.1: 16 of 1,614,040 alleles (0.00099%); highest among the groups gnomAD compares: Non-Finnish European, 0.0013%; no homozygotes.

Submission:

CeGaT Center for Human Genetics Tuebingen
Classification: Likely benign. Last evaluated: 2026-01-01. Review status: criteria provided, single submitter. Criteria: CeGaT Center For Human Genetics Tuebingen Variant Classification Criteria Version 2. Collection method: clinical testing. Allele origin: germline. Affected: yes. Observed: 1 variant allele.
Comment: ZFHX3: BP4

NM_006885.4(ZFHX3):c.7178C>T (p.Ala2393Val)

Genes: ZFHX3 (zinc finger homeobox 3; minus strand), ZFHX3-AS1 (ZFHX3 antisense RNA 1; plus strand). Cytogenetic location: 16q22.2.
Variant type: single nucleotide variant.
Coding change: c.7178C>T on transcript NM_006885.4 (MANE Select); coding-DNA position 7178, C replaced by T.
Protein change: p.Ala2393Val; replaces alanine 2393 with valine.
Molecular consequence: missense variant.
Genome position (GRCh38, 1-based): chr16:72,795,504, G>A on the plus strand (C>T on the coding strand, the complement: ZFHX3 is on the minus strand). VCF-style: chr16-72795504-G-A. GRCh37 (hg19) VCF-style: chr16-72829403-G-A.
Other names: c.4436C>T, p.Ala1479Val (NM_001164766.2); c.7178C>T, p.Ala2393Val (NM_001386735.1); short protein forms A1479V, A2393V.
Identifiers: ClinVar variation 4821791 (VCV004821791.4).
Genomic context (GRCh38, chr16:72,795,504, plus strand): 5'-GCCTCCGCTGTAAGCTGCAAGAAAGCGGAGGAAGCTGTATTATTGGCTGATGGTGCTGGG[G>A]CGCTGTAAGCCTGTGAGGGCATCGGGGTACTGCAGGATGAGCTGGTAGGCGTCAGGATTT-3'
Protein context (NP_008816.3, residues 2383-2403): STPMPSQAYS[Ala2393Val]PAPSANNTAS